The following is an entry in ClinVar:

NC_000001.10:g.(?_2337205)_(2343941_?)dup

Gene: PEX10 (peroxisomal biogenesis factor 10; minus strand). Cytogenetic location: 1p36.32.
Variant type: Duplication.
Identifiers: ClinVar variation 2427452 (VCV002427452.3).

ClinVar aggregate classification (germline): Uncertain significance (1 of 4 stars; one submission).

Conditions:
Peroxisome biogenesis disorder, complementation group 7 (CG7). Also called: Peroxisome biogenesis disorder, complementation group B. Identifiers: MedGen C1864399.

Submission:

Labcorp Genetics (formerly Invitae), Labcorp
Classification: Uncertain significance for Peroxisome biogenesis disorder, complementation group 7. Last evaluated: 2022-09-01. Review status: criteria provided, single submitter. Criteria: Invitae Variant Classification Sherloc (09022015). Collection method: clinical testing. Allele origin: germline.
Comment: A copy number gain of the genomic region encompassing the full coding sequence of the PEX10 gene has been identified. The boundaries of this event are unknown as they extend beyond the assayed region for this gene and therefore may encompass additional genes. As the precise location of this event is unknown, it may be in tandem or it may be located elsewhere in the genome. This variant has not been reported in the literature in individuals affected with PEX10-related conditions. In summary, the available evidence is currently insufficient to determine the role of this variant in disease. Therefore, it has been classified as a Variant of Uncertain Significance.